The following is an entry in ClinVar:

NM_007294.4(BRCA1):c.814_824dup (p.Thr276fs)

Gene: BRCA1 (BRCA1 DNA repair associated; minus strand). Cytogenetic location: 17q21.31.
Variant type: Duplication.
Coding change: c.814_824dup on transcript NM_007294.4 (MANE Select); coding-DNA positions 814 to 824, 11 bases duplicated (GAGCCATGTGG).
Protein change: p.Thr276fs; shifts the reading frame from threonine 276.
Molecular consequence: frameshift variant. On other transcripts: 5 prime UTR variant (2), intron variant (137).
Genome position (GRCh38, 1-based): chr17:43,094,707-43,094,717, CCACATGGCTC duplicated on the plus strand (GAGCCATGTGG on the coding strand, the reverse complement: BRCA1 is on the minus strand); duplicating any 11 consecutive bases within chr17:43,094,707-43,094,718 gives the same sequence; the c. name uses the placement nearest the transcript's 3' end. VCF-style (leftmost placement, unchanged base first): chr17-43094706-G-GCCACATGGCTC. GRCh37 (hg19) VCF-style: chr17-41246723-G-GCCACATGGCTC.
Other names: c.601_611dup, p.Thr205fs (NM_001407571.1, NM_001407853.1, NM_001407894.1 and 9 more transcripts); c.814_824dup, p.Thr276fs (NM_001407581.1, NM_001407582.1, NM_001407583.1 and 30 more transcripts); c.811_821dup, p.Thr275fs (NM_001407587.1, NM_001407590.1, NM_001407591.1 and 22 more transcripts); c.805_815dup, p.Thr273fs (NM_001407646.1, NM_001407647.1); c.691_701dup, p.Thr235fs (NM_001407648.1, NM_001407664.1, NM_001407665.1 and 19 more transcripts); c.688_698dup, p.Thr234fs (NM_001407649.1, NM_001407670.1, NM_001407671.1 and 11 more transcripts); c.736_746dup, p.Thr250fs (NM_001407653.1, NM_001407654.1, NM_001407655.1 and 4 more transcripts); c.733_743dup, p.Thr249fs (NM_001407659.1, NM_001407660.1, NM_001407661.1 and 1 more transcripts); and 41 more; short protein forms T276fs, T229fs, T165fs, T187fs, T188fs, T206fs, T234fs, T275fs.
Identifiers: ClinVar variation 55722 (VCV000055722.3), dbSNP rs1555593031, ClinGen allele CA026483.

ClinVar aggregate classification (germline): Pathogenic. Review status: reviewed by expert panel (3 of 4 stars). 2 submissions from 2 submitters: Pathogenic (1). 1 of the submissions does not count toward it. Last evaluated 2017-12-15.

Conditions:
Familial cancer of breast. Also called: hereditary breast carcinoma; BREAST CANCER, FAMILIAL; Hereditary breast cancer. Identifiers: Orphanet 227535, MedGen C0346153, MONDO:0016419, OMIM 114480. Disease mechanism: loss of function.
Breast-ovarian cancer, familial, susceptibility to, 1 (BROVCA1). Also called: BRCA1 Hereditary Breast and Ovarian Cancer; OVARIAN CANCER, SUSCEPTIBILITY TO. Identifiers: Orphanet 145, MedGen C2676676, MONDO:0011450, OMIM 604370. Disease mechanism: loss of function.

Submissions (2):

Evidence-based Network for the Interpretation of Germline Mutant Alleles (ENIGMA)
Classification: Pathogenic for Breast-ovarian cancer, familial, susceptibility to, 1. Last evaluated: 2017-12-15. Review status: reviewed by expert panel. Criteria: ENIGMA BRCA1/2 Classification Criteria (2017-06-29). Collection method: curation. Allele origin: germline. Study: ENIGMA.
Comment: Variant allele predicted to encode a truncated non-functional protein.

ClinVar Staff, National Center for Biotechnology Information (NCBI)
No classification provided. Condition: Familial cancer of breast. Review status: no classification provided. Collection method: literature only. Allele origin: germline. Affected: yes. Not counted in ClinVar's aggregate classification.

Literature cited by the submitters: PubMed 20858050 (cited by ClinVar Staff, National Center for Biotechnology Information (NCBI)).